The following is an entry in ClinVar:

ClinVar aggregate classification (germline): Uncertain significance (1 of 4 stars; one submission).

Conditions:
Alzheimer disease. Also called: Presenile and senile dementia; Alzheimer's disease. Identifiers: Orphanet 1020, MedGen C0002395, MeSH D000544, MONDO:0004975, HP:0002511.

Submission:

Labcorp Genetics (formerly Invitae), Labcorp
Classification: Uncertain significance for Alzheimer disease. Last evaluated: 2025-11-24. Review status: criteria provided, single submitter. Criteria: Invitae Variant Classification Sherloc (09022015). Collection method: clinical testing. Allele origin: germline.
Comment: This variant, c.1993_1995del, results in the deletion of 1 amino acid(s) of the APP protein (p.Glu665del), but otherwise preserves the integrity of the reading frame. This variant is present in population databases (rs770382861, gnomAD 0.007%). This variant has not been reported in the literature in individuals affected with APP-related conditions. Experimental studies and prediction algorithms are not available or were not evaluated, and the functional significance of this variant is currently unknown. In summary, the available evidence is currently insufficient to determine the role of this variant in disease. Therefore, it has been classified as a Variant of Uncertain Significance.

NM_000484.4(APP):c.1990GAG[1] (p.Glu665del)

Gene: APP (amyloid beta precursor protein; minus strand). Cytogenetic location: 21q21.3.
Variant type: Microsatellite.
Coding change: c.1990GAG[1] on transcript NM_000484.4 (MANE Select); one copy of the 3-base unit GAG starting at c.1990; the reference has two copies in a row; one copy, 3 bases deleted.
Protein change: p.Glu665del; deletes glutamic acid 665.
Genome position (GRCh38, 1-based): chr21:25,897,642-25,897,644, CTC deleted on the plus strand (GAG on the coding strand, the reverse complement: APP is on the minus strand); deleting any 3 consecutive bases within chr21:25,897,642-25,897,648 gives the same sequence; the position shown is the placement nearest the transcript's 3' end. VCF-style (leftmost placement, unchanged base first): chr21-25897641-TCTC-T. GRCh37 (hg19) VCF-style: chr21-27269953-TCTC-T.
Other names: c.1918GAG[1], p.Glu641del (NM_001136016.3); c.1597GAG[1], p.Glu534del (NM_001136129.3); c.1822GAG[1], p.Glu609del (NM_001136130.3, NM_001385253.1); c.1660GAG[1], p.Glu555del (NM_001136131.3); c.1936GAG[1], p.Glu647del (NM_001204301.2); c.1879GAG[1], p.Glu628del (NM_001204302.2); c.1711GAG[1], p.Glu572del (NM_001204303.2); c.1933GAG[1], p.Glu646del (NM_201413.3); and 1 more; short protein forms E534del, E555del, E572del, E590del, E609del, E628del, E641del, E646del.
Identifiers: ClinVar variation 4809004 (VCV004809004.1).